The following is an entry in ClinVar:

ClinVar aggregate classification (germline): Uncertain significance. Review status: criteria provided, multiple submitters, no conflicts (2 of 4 stars). 3 submissions from 3 submitters: Uncertain significance (3). Last evaluated 2025-11-21.

Conditions:
Neuroblastoma, susceptibility to, 3. Also called: ALK-Related Neuroblastic Tumor Susceptibility. Identifiers: Orphanet 635, MedGen C2751681, MONDO:0013083, OMIM 613014.
Hereditary cancer-predisposing syndrome. Also called: Tumor predisposition; Hereditary neoplastic syndrome; Neoplastic Syndromes, Hereditary; Hereditary Cancer Syndrome. Identifiers: Orphanet 140162, MedGen C0027672, MeSH D009386, MONDO:0015356.

Allele frequency attached by ClinVar (database versions not stated): ExAC 0.00001; TOPMed 0.00003; gnomAD 0.00004; ESP Exome Variant Server 0.00008.
gnomAD v4.1: 6 of 1,614,112 alleles (0.00037%); highest among the groups gnomAD compares: African/African-American, 0.008%; no homozygotes.

Submissions (3):

Labcorp Genetics (formerly Invitae), Labcorp
Classification: Uncertain significance for Neuroblastoma, susceptibility to, 3. Last evaluated: 2025-11-21. Review status: criteria provided, single submitter. Criteria: Invitae Variant Classification Sherloc (09022015). Collection method: clinical testing. Allele origin: germline.
Comment: This sequence change replaces aspartic acid, which is acidic and polar, with histidine, which is basic and polar, at codon 1009 of the ALK protein (p.Asp1009His). This variant is present in population databases (rs376962390, gnomAD 0.02%). This variant has not been reported in the literature in individuals affected with ALK-related conditions. ClinVar contains an entry for this variant (Variation ID: 940005). An algorithm developed to predict the effect of missense changes on protein structure and function (PolyPhen-2) suggests that this variant is likely to be disruptive. In summary, the available evidence is currently insufficient to determine the role of this variant in disease. Therefore, it has been classified as a Variant of Uncertain Significance.

Ambry Genetics
Classification: Uncertain significance for Hereditary cancer-predisposing syndrome. Last evaluated: 2024-11-14. Review status: criteria provided, single submitter. Criteria: Ambry Variant Classification Scheme 2023. Collection method: clinical testing. Allele origin: germline.
Comment: The p.D1009H variant (also known as c.3025G>C), located in coding exon 18 of the ALK gene, results from a G to C substitution at nucleotide position 3025. The aspartic acid at codon 1009 is replaced by histidine, an amino acid with similar properties. This amino acid position is conserved. In addition, the in silico prediction for this alteration is inconclusive. Since supporting evidence is limited at this time, the clinical significance of this alteration remains unclear.

GeneDx
Classification: Uncertain significance. Last evaluated: 2024-02-20. Review status: criteria provided, single submitter. Criteria: GeneDx Variant Classification Process June 2021. Collection method: clinical testing. Allele origin: germline. Affected: yes.
Comment: In silico analysis supports that this missense variant does not alter protein structure/function; Has not been previously published as pathogenic or benign to our knowledge

NM_004304.5(ALK):c.3025G>C (p.Asp1009His)

Gene: ALK (ALK receptor tyrosine kinase; minus strand). Cytogenetic location: 2p23.2.
Variant type: single nucleotide variant.
Coding change: c.3025G>C on transcript NM_004304.5 (MANE Select); coding-DNA position 3025, G replaced by C.
Protein change: p.Asp1009His; replaces aspartic acid 1009 with histidine.
Molecular consequence: missense variant.
Genome position (GRCh38, 1-based): chr2:29,226,964, C>G on the plus strand (G>C on the coding strand, the complement: ALK is on the minus strand). VCF-style: chr2-29226964-C-G. GRCh37 (hg19) VCF-style: chr2-29449830-C-G.
Other names: short protein forms D1009H.
Identifiers: ClinVar variation 940005 (VCV000940005.14), dbSNP rs376962390, ClinGen allele CA1594112.